The following is an entry in ClinVar:

ClinVar aggregate classification (germline): Uncertain significance (1 of 4 stars; one submission).

Conditions:
Megaconial type congenital muscular dystrophy (MDCMC). Also called: CHKB-Related Muscle Diseases; MUSCULAR DYSTROPHY, CONGENITAL, WITH MITOCHONDRIAL STRUCTURAL ABNORMALITIES; CHKB-Related Muscular Dystrophy. Identifiers: Orphanet 280671, MedGen C1865233, MONDO:0011246, OMIM 602541.

Allele frequency attached by ClinVar (database versions not stated): gnomAD exomes 0.00002; TOPMed 0.00005; gnomAD 0.00006; 1000 Genomes Project 30x 0.00031.

Submission:

Labcorp Genetics (formerly Invitae), Labcorp
Classification: Uncertain significance for Megaconial type congenital muscular dystrophy. Last evaluated: 2018-02-07. Review status: criteria provided, single submitter. Criteria: Invitae Variant Classification Sherloc (09022015). Collection method: clinical testing. Allele origin: germline.
Comment: In summary, the available evidence is currently insufficient to determine the role of this variant in disease. Therefore, it has been classified as a Variant of Uncertain Significance. Algorithms developed to predict the effect of missense changes on protein structure and function output the following: SIFT: "Tolerated"; PolyPhen-2: "Benign"; Align-GVGD: "Class C0". The histidine amino acid residue is found in multiple mammalian species, suggesting that this missense change does not adversely affect protein function. These predictions have not been confirmed by published functional studies and their clinical significance is uncertain. This variant has not been reported in the literature in individuals with CHKB-related disease. This variant is not present in population databases (ExAC no frequency). This sequence change replaces arginine with histidine at codon 47 of the CHKB protein (p.Arg47His). The arginine residue is weakly conserved and there is a small physicochemical difference between arginine and histidine.

NM_005198.5(CHKB):c.140G>A (p.Arg47His)

Genes: CHKB-CPT1B (CHKB-CPT1B readthrough (NMD candidate); minus strand), CHKB (choline kinase beta; minus strand). Cytogenetic location: 22q13.33.
Variant type: single nucleotide variant.
Coding change: c.140G>A on transcript NM_005198.5 (MANE Select); coding-DNA position 140, G replaced by A.
Protein change: p.Arg47His; replaces arginine 47 with histidine.
Molecular consequence: missense variant. On other transcripts: non-coding transcript variant (1).
Genome position (GRCh38, 1-based): chr22:50,582,642, C>T on the plus strand (G>A on the coding strand, the complement: CHKB is on the minus strand). VCF-style: chr22-50582642-C-T. GRCh37 (hg19) VCF-style: chr22-51021071-C-T.
Other names: short protein forms R47H.
Identifiers: ClinVar variation 568442 (VCV000568442.7), dbSNP rs893001695, ClinGen allele CA325540873.